The following is an entry in ClinVar:

ClinVar aggregate classification (germline): Pathogenic (1 of 4 stars; one submission).

Submission:

CeGaT Center for Human Genetics Tuebingen
Classification: Pathogenic. Last evaluated: 2023-07-01. Review status: criteria provided, single submitter. Criteria: CeGaT Center For Human Genetics Tuebingen Variant Classification Criteria Version 2. Collection method: clinical testing. Allele origin: germline. Affected: yes. Observed: 2 variant alleles.
Comment: IGSF1: PVS1, PM2

NM_001555.5(IGSF1):c.3763C>T (p.Gln1255Ter)

Gene: IGSF1 (immunoglobulin superfamily member 1; minus strand). Cytogenetic location: Xq26.1.
Variant type: single nucleotide variant.
Coding change: c.3763C>T on transcript NM_001555.5 (MANE Select); coding-DNA position 3763, C replaced by T.
Protein change: p.Gln1255Ter; replaces glutamine 1255 with a stop codon.
Molecular consequence: nonsense.
Genome position (GRCh38, 1-based): chrX:131,274,195, G>A on the plus strand (C>T on the coding strand, the complement: IGSF1 is on the minus strand). VCF-style: chrX-131274195-G-A. GRCh37 (hg19) VCF-style: chrX-130408169-G-A.
Other names: c.3778C>T, p.Gln1260Ter (NM_001170961.2); c.3736C>T, p.Gln1246Ter (NM_001170962.2); short protein forms Q1246*, Q1255*, Q1260*.
Identifiers: ClinVar variation 1695315 (VCV001695315.31), dbSNP rs2124076001, ClinGen allele CA414556323.